The following is an entry in ClinVar:

NM_024753.5(TTC21B):c.895-1G>A

Gene: TTC21B (tetratricopeptide repeat domain 21B; minus strand). Cytogenetic location: 2q24.3.
Variant type: single nucleotide variant.
Coding change: c.895-1G>A on transcript NM_024753.5 (MANE Select); the canonical splice acceptor site of the intron before coding-DNA position 895, G replaced by A.
Molecular consequence: splice acceptor variant.
Genome position (GRCh38, 1-based): chr2:165,930,365, C>T on the plus strand (G>A on the coding strand, the complement: TTC21B is on the minus strand). VCF-style: chr2-165930365-C-T. GRCh37 (hg19) VCF-style: chr2-166786875-C-T.
Identifiers: ClinVar variation 1486005 (VCV001486005.6), dbSNP rs773008707, ClinGen allele CA1942288.

ClinVar aggregate classification (germline): Likely pathogenic (1 of 4 stars; one submission).

Conditions:
Nephronophthisis. Also called: Juvenile Nephronophthisis. Identifiers: Orphanet 655, MedGen C0687120, MONDO:0019005, HP:0000090.
Jeune thoracic dystrophy. Also called: Jeune syndrome; Infantile thoracic dystrophy; Thoracic pelvic phalangeal dystrophy; Jeune's syndrome; Chondroectodermal dysplasia-like syndrome; Short-rib thoracic dysplasia. Identifiers: Orphanet 474, MedGen C0265275, MONDO:0018770.

Allele frequency attached by ClinVar (database versions not stated): ExAC 0.00001.
gnomAD v4.1: 1 of 1,593,764 alleles (0.000063%); highest among the groups gnomAD compares: Non-Finnish European, 0.000085%; no homozygotes.

Submission:

Labcorp Genetics (formerly Invitae), Labcorp
Classification: Likely pathogenic for Jeune thoracic dystrophy; Nephronophthisis. Last evaluated: 2021-09-03. Review status: criteria provided, single submitter. Criteria: Invitae Variant Classification Sherloc (09022015). Collection method: clinical testing. Allele origin: germline.
Comment: This sequence change affects an acceptor splice site in intron 8 of the TTC21B gene. It is expected to disrupt RNA splicing. Variants that disrupt the donor or acceptor splice site typically lead to a loss of protein function (PMID: 16199547), and loss-of-function variants in TTC21B are known to be pathogenic (PMID: 18327258, 21068128, 21258341, 23559409, 24876116, 25492405, 27491411, 29068549). This variant is present in population databases (rs773008707, ExAC 0.002%). In summary, the currently available evidence indicates that the variant is pathogenic, but additional data are needed to prove that conclusively. Therefore, this variant has been classified as Likely Pathogenic. Algorithms developed to predict the effect of sequence changes on RNA splicing suggest that this variant may disrupt the consensus splice site. This variant has not been reported in the literature in individuals affected with TTC21B-related conditions.

Literature cited by the submitters: PubMed 16199547; PubMed 18327258; PubMed 21068128; PubMed 21258341; PubMed 23559409; PubMed 24876116; PubMed 25492405; PubMed 27491411; PubMed 29068549.